The following is an entry in ClinVar:

ClinVar aggregate classification (germline): Pathogenic. Review status: criteria provided, multiple submitters, no conflicts (2 of 4 stars). 2 submissions from 2 submitters: Pathogenic (2). Last evaluated 2025-11-25.

Conditions:
Ectodermal dysplasia 10A, hypohidrotic/hair/nail type, autosomal dominant (ECTD10A). Also called: Ectodermal Dysplasia 3, Anhidrotic. Identifiers: Orphanet 1810, Orphanet 238468, MedGen C3888065, MONDO:0007509, OMIM 129490.
Autosomal recessive hypohidrotic ectodermal dysplasia syndrome. Also called: Autosomal recessive hypohidrotic ectodermal dysplasia. Identifiers: Orphanet 248, MedGen C0406702, MONDO:0016619.

Allele frequency attached by ClinVar (database versions not stated): ExAC 0.00002; gnomAD 0.00002; TOPMed 0.00002.
gnomAD v4.1: 129 of 1,613,546 alleles (0.008%); highest among the groups gnomAD compares: Non-Finnish European, 0.011%; no homozygotes.

Submissions (2):

Labcorp Genetics (formerly Invitae), Labcorp
Classification: Pathogenic for Ectodermal dysplasia 10A, hypohidrotic/hair/nail type, autosomal dominant; Autosomal recessive hypohidrotic ectodermal dysplasia syndrome. Last evaluated: 2025-11-25. Review status: criteria provided, single submitter. Criteria: Invitae Variant Classification Sherloc (09022015). Collection method: clinical testing. Allele origin: germline.
Comment: This sequence change creates a premature translational stop signal (p.Cys301*) in the EDAR gene. It is expected to result in an absent or disrupted protein product. Loss-of-function variants in EDAR are known to be pathogenic (PMID: 10431241, 10431242, 20979233, 28981473). This variant is present in population databases (rs199544410, gnomAD 0.003%). This premature translational stop signal has been observed in individual(s) with EDAR-related conditions (PMID: 31427378). ClinVar contains an entry for this variant (Variation ID: 449014). For these reasons, this variant has been classified as Pathogenic.

GeneDx
Classification: Pathogenic. Last evaluated: 2022-03-04. Review status: criteria provided, single submitter. Criteria: GeneDx Variant Classification Process June 2021. Collection method: clinical testing. Allele origin: germline. Affected: yes.
Comment: Identified in the heterozygous state in a patient with hypodontia and a family history of hypodontia, and present in the reportedly asymptomatic father, in published literature (Ferrer et al., 2019); Nonsense variant predicted to result in protein truncation or nonsense mediated decay in a gene for which loss-of-function is a known mechanism of disease; Not observed at a significant frequency in large population cohorts (gnomAD); This variant is associated with the following publications: (PMID: 31427378, 33144682)

Literature cited by the submitters: PubMed 10431241 (cited by Labcorp Genetics (formerly Invitae), Labcorp); PubMed 10431242 (cited by Labcorp Genetics (formerly Invitae), Labcorp); PubMed 20979233 (cited by Labcorp Genetics (formerly Invitae), Labcorp); PubMed 28981473 (cited by Labcorp Genetics (formerly Invitae), Labcorp); PubMed 31427378 (cited by Labcorp Genetics (formerly Invitae), Labcorp).

NM_022336.4(EDAR):c.903C>A (p.Cys301Ter)

Genes: EDAR (ectodysplasin A receptor; minus strand), RANBP2 (RAN binding protein 2; plus strand). Cytogenetic location: 2q13.
Variant type: single nucleotide variant.
Coding change: c.903C>A on transcript NM_022336.4 (MANE Select); coding-DNA position 903, C replaced by A.
Protein change: p.Cys301Ter; replaces cysteine 301 with a stop codon.
Molecular consequence: nonsense.
Genome position (GRCh38, 1-based): chr2:108,907,920, G>T on the plus strand (C>A on the coding strand, the complement: EDAR is on the minus strand). VCF-style: chr2-108907920-G-T. GRCh37 (hg19) VCF-style: chr2-109524376-G-T.
Other names: short protein forms C301*.
Identifiers: ClinVar variation 449014 (VCV000449014.13), dbSNP rs199544410, ClinGen allele CA1824889.